The following is an entry in ClinVar:

ClinVar aggregate classification (germline): Pathogenic (1 of 4 stars; one submission).

Conditions:
Cornelia de Lange syndrome 1 (CDLS1). Also called: Brachmann de Lange syndrome; NIPBL-Related Cornelia de Lange Syndrome; TYPUS DEGENERATIVUS AMSTELODAMENSIS. Identifiers: Orphanet 199, MedGen C4551851, MONDO:0007387, OMIM 122470.

Submission:

Labcorp Genetics (formerly Invitae), Labcorp
Classification: Pathogenic for Cornelia de Lange syndrome 1. Last evaluated: 2024-06-05. Review status: criteria provided, single submitter. Criteria: Invitae Variant Classification Sherloc (09022015). Collection method: clinical testing. Allele origin: germline.
Comment: This sequence change creates a premature translational stop signal (p.Tyr2618*) in the NIPBL gene. It is expected to result in an absent or disrupted protein product. Loss-of-function variants in NIPBL are known to be pathogenic (PMID: 15318302, 19763162, 23505322, 29995837). This variant is not present in population databases (gnomAD no frequency). This variant has not been reported in the literature in individuals affected with NIPBL-related conditions. Algorithms developed to predict the effect of sequence changes on RNA splicing suggest that this variant may create or strengthen a splice site. For these reasons, this variant has been classified as Pathogenic.

Literature cited by the submitters: PubMed 15318302; PubMed 19763162; PubMed 23505322; PubMed 29995837.

NM_133433.4(NIPBL):c.7854T>G (p.Tyr2618Ter)

Gene: NIPBL (NIPBL cohesin loading factor; plus strand). Cytogenetic location: 5p13.2.
Variant type: single nucleotide variant.
Coding change: c.7854T>G on transcript NM_133433.4 (MANE Select); coding-DNA position 7854, T replaced by G.
Protein change: p.Tyr2618Ter; replaces tyrosine 2618 with a stop codon.
Molecular consequence: nonsense.
Genome position (GRCh38, 1-based): chr5:37,061,012, T>G. VCF-style: chr5-37061012-T-G. GRCh37 (hg19) VCF-style: chr5-37061114-T-G.
Other names: c.7854T>G, p.Tyr2618Ter (NM_015384.5); short protein forms Y2618*.
Identifiers: ClinVar variation 2729129 (VCV002729129.3), dbSNP rs2478733723, ClinGen allele CA359519457.
Genomic context (GRCh38, chr5:37,061,012, plus strand): 5'-GAGTGACATGGCTAATTCCAAAATCACAGAAGAGGTGAAAAGGAGTATAGTAAAACAGTA[T>G]CTAGATGTGAGTAGTAAAACCAAAAGTTTTTACTTCTCATAAGGGCTTTTTTGACAAGTA-3'